The following is an entry in ClinVar:

NM_003803.4(MYOM1):c.2991+4A>C

Gene: MYOM1 (myomesin 1; minus strand). Cytogenetic location: 18p11.31.
Variant type: single nucleotide variant.
Coding change: c.2991+4A>C on transcript NM_003803.4 (MANE Select); 4 bases into the intron after coding-DNA position 2991, A replaced by C.
Molecular consequence: intron variant.
Genome position (GRCh38, 1-based): chr18:3,126,697, T>G on the plus strand (A>C on the coding strand, the complement: MYOM1 is on the minus strand). VCF-style: chr18-3126697-T-G. GRCh37 (hg19) VCF-style: chr18-3126695-T-G.
Other names: c.2703+4A>C (NM_019856.2).
Identifiers: ClinVar variation 2074129 (VCV002074129.4), dbSNP rs1369312381, ClinGen allele CA628483113.

ClinVar aggregate classification (germline): Uncertain significance (1 of 4 stars; one submission).

Conditions:
Hypertrophic cardiomyopathy. Also called: HYPERTROPHIC MYOCARDIOPATHY. Identifiers: Orphanet 217569, MedGen C0007194, MeSH D002312, MONDO:0005045, HP:0001639.

Allele frequency attached by ClinVar (database versions not stated): gnomAD exomes 0.00001; gnomAD 0.00002; TOPMed 0.00002.
gnomAD v4.1: 12 of 1,610,422 alleles (0.00075%); highest among the groups gnomAD compares: Non-Finnish European, 0.001%; no homozygotes.

Submission:

Labcorp Genetics (formerly Invitae), Labcorp
Classification: Uncertain significance for Hypertrophic cardiomyopathy. Last evaluated: 2025-10-13. Review status: criteria provided, single submitter. Criteria: Invitae Variant Classification Sherloc (09022015). Collection method: clinical testing. Allele origin: germline.
Comment: This sequence change falls in intron 19 of the MYOM1 gene. It does not directly change the encoded amino acid sequence of the MYOM1 protein. It affects a nucleotide within the consensus splice site. This variant is present in population databases (no rsID available, gnomAD 0.002%). This variant has not been reported in the literature in individuals affected with MYOM1-related conditions. ClinVar contains an entry for this variant (Variation ID: 2074129). Variants that disrupt the consensus splice site are a relatively common cause of aberrant splicing (PMID: 17576681, 9536098). Algorithms developed to predict the effect of sequence changes on RNA splicing suggest that this variant is not likely to affect RNA splicing. In summary, the available evidence is currently insufficient to determine the role of this variant in disease. Therefore, it has been classified as a Variant of Uncertain Significance.

Literature cited by the submitters: PubMed 17576681; PubMed 9536098.